The following is an entry in ClinVar:

ClinVar aggregate classification (germline): Likely pathogenic (1 of 4 stars; one submission).

Conditions:
Duchenne muscular dystrophy (DMD). Also called: Duchenne Muscular Dystrophy (DMD); MUSCULAR DYSTROPHY, PSEUDOHYPERTROPHIC PROGRESSIVE, DUCHENNE TYPE. Identifiers: Orphanet 98896, MedGen C0013264, MONDO:0010679, OMIM 310200.

Submission:

Labcorp Genetics (formerly Invitae), Labcorp
Classification: Likely pathogenic for Duchenne muscular dystrophy. Last evaluated: 2021-12-11. Review status: criteria provided, single submitter. Criteria: Invitae Variant Classification Sherloc (09022015). Collection method: clinical testing. Allele origin: germline.
Comment: This missense change has been observed in individual(s) with DMD-related disorders (Invitae). It has also been observed to segregate with disease in related individuals. Algorithms developed to predict the effect of missense changes on protein structure and function are either unavailable or do not agree on the potential impact of this missense change (SIFT: "Tolerated"; PolyPhen-2: "Possibly Damaging"; Align-GVGD: "Class C0"). In summary, the currently available evidence indicates that the variant is pathogenic, but additional data are needed to prove that conclusively. Therefore, this variant has been classified as Likely Pathogenic. This variant is not present in population databases (gnomAD no frequency). This sequence change replaces glutamine, which is neutral and polar, with proline, which is neutral and non-polar, at codon 957 of the DMD protein (p.Gln957Pro).

NM_004006.3(DMD):c.2870A>C (p.Gln957Pro)

Gene: DMD (dystrophin; minus strand). Cytogenetic location: Xp21.1.
Variant type: single nucleotide variant.
Coding change: c.2870A>C on transcript NM_004006.3 (MANE Select); coding-DNA position 2870, A replaced by C.
Protein change: p.Gln957Pro; replaces glutamine 957 with proline.
Molecular consequence: missense variant.
Genome position (GRCh38, 1-based): chrX:32,472,243, T>G on the plus strand (A>C on the coding strand, the complement: DMD is on the minus strand). VCF-style: chrX-32472243-T-G. GRCh37 (hg19) VCF-style: chrX-32490360-T-G.
Other names: c.2846A>C, p.Gln949Pro (NM_000109.4); c.2858A>C, p.Gln953Pro (NM_004009.3); c.2501A>C, p.Gln834Pro (NM_004010.3); short protein forms Q957P, Q834P, Q953P, Q949P.
Identifiers: ClinVar variation 1480548 (VCV001480548.6), dbSNP rs2148485378, ClinGen allele CA412668105.